The following is an entry in ClinVar:

ClinVar aggregate classification (germline): Likely pathogenic (1 of 4 stars; one submission).

Allele frequency attached by ClinVar (database versions not stated): ExAC 0.00001; gnomAD exomes 0.00002; gnomAD 0.00003 and 0.00004; TOPMed 0.00003.
gnomAD v4.1: 39 of 1,606,506 alleles (0.0024%); highest among the groups gnomAD compares: Non-Finnish European, 0.0031%; no homozygotes.

Submission:

Labcorp Genetics (formerly Invitae), Labcorp
Classification: Likely pathogenic. Last evaluated: 2025-07-09. Review status: criteria provided, single submitter. Criteria: Invitae Variant Classification Sherloc (09022015). Collection method: clinical testing. Allele origin: germline.
Comment: This sequence change affects an acceptor splice site in intron 25 of the MPDZ gene. It is expected to disrupt RNA splicing. Variants that disrupt the donor or acceptor splice site typically lead to a loss of protein function (PMID: 16199547), and loss-of-function variants in MPDZ are known to be pathogenic (PMID: 23240096, 28556411). The frequency data for this variant in the population databases is considered unreliable, as metrics indicate poor data quality at this position in the gnomAD database. This variant has not been observed in the literature in individuals with autosomal recessive MPDZ-related conditions. This variant has been reported in individual(s) with autosomal dominant inherited retinal dystrophy (internal data); however, the role of the variant in this condition is currently unclear. ClinVar contains an entry for this variant (Variation ID: 1516036). Algorithms developed to predict the effect of sequence changes on RNA splicing suggest that this variant may disrupt the consensus splice site. In summary, the currently available evidence indicates that the variant is pathogenic, but additional data are needed to prove that conclusively. Therefore, this variant has been classified as Likely Pathogenic.

Literature cited by the submitters: PubMed 16199547; PubMed 23240096; PubMed 28556411.

NM_001378778.1(MPDZ):c.3631-2A>G

Gene: MPDZ (multiple PDZ domain crumbs cell polarity complex component; minus strand). Cytogenetic location: 9p23.
Variant type: single nucleotide variant.
Coding change: c.3631-2A>G on transcript NM_001378778.1 (MANE Select); the canonical splice acceptor site of the intron before coding-DNA position 3631, A replaced by G.
Molecular consequence: splice acceptor variant. On other transcripts: intron variant (8).
Genome position (GRCh38, 1-based): chr9:13,147,660, T>C on the plus strand (A>G on the coding strand, the complement: MPDZ is on the minus strand). VCF-style: chr9-13147660-T-C. GRCh37 (hg19) VCF-style: chr9-13147659-T-C.
Other names: c.3630+2851A>G (NM_001375425.1, NM_001375420.1, NM_001375423.1 and 4 more transcripts); c.3631-2A>G (NM_001375419.1, NM_001375416.1, NM_001330637.2 and 6 more transcripts); c.3432+2851A>G (NM_001375427.1).
Identifiers: ClinVar variation 1516036 (VCV001516036.7), dbSNP rs757886671, ClinGen allele CA4987035.